The following is an entry in ClinVar:

ClinVar aggregate classification (germline): Pathogenic. Review status: criteria provided, multiple submitters, no conflicts (2 of 4 stars). 3 submissions from 3 submitters: Pathogenic (2). 1 of the submissions does not count toward it. Last evaluated 2024-09-18.

Conditions:
CDKL5 disorder. Identifiers: MedGen CN296942, MONDO:0100039.
Developmental and epileptic encephalopathy, 2 (DEE2). Also called: INFANTILE SPASM SYNDROME, X-LINKED 2; CDKL5 deficiency disorder. Identifiers: Orphanet 1934, Orphanet 3451, Orphanet 505652, MedGen C4750718, MONDO:0010396, OMIM 300672.
Angelman syndrome-like. Identifiers: MedGen CN128785.

Submissions (3):

Centre for Population Genomics, CPG
Classification: Pathogenic for CDKL5 disorder. Last evaluated: 2024-09-18. Review status: criteria provided, single submitter. Criteria: McKnight et al. (Hum Mutat. 2022). Collection method: curation. Allele origin: germline. Inheritance: X-linked inheritance.
Comment: This variant has been collected from RettBASE and curated to current modified ACMG/AMP criteria. Based on the classification scheme defined by the ClinGen Rett/Angelman-like Expert Panel for Rett/AS-like Disorders Specifications to the ACMG/AMP Variant Interpretation Guidelines VCEP 3.0, this variant is classified as pathogenic. At least the following criteria are met: Predicted to result in loss of function, and LOF is a known mechanism of disease (PVS1). This variant is absent from gnomAD v4(PM2_Supporting). Has been observed in at least 2 individuals with phenotypes consistent with CDKL5 disorder (PS4_Supporting). PMID 18790821‚ 22872100, Variation ID: 143799

Labcorp Genetics (formerly Invitae), Labcorp
Classification: Pathogenic for Developmental and epileptic encephalopathy, 2; Angelman syndrome-like. Last evaluated: 2021-04-24. Review status: criteria provided, single submitter. Criteria: Invitae Variant Classification Sherloc (09022015). Collection method: clinical testing. Allele origin: germline.
Comment: This sequence change creates a premature translational stop signal (p.Glu77Hisfs*35) in the CDKL5 gene. It is expected to result in an absent or disrupted protein product. Loss-of-function variants in CDKL5 are known to be pathogenic (PMID: 22872100). This variant is not present in population databases (ExAC no frequency). This variant has been observed in individual(s) with CDKL5-related conditions (PMID: 18790821). ClinVar contains an entry for this variant (Variation ID: 143799). For these reasons, this variant has been classified as Pathogenic.

RettBASE
Classification: Pathogenic for Epileptic encephalopathy, early infantile, 2. Last evaluated: 2014-03-13. Review status: no assertion criteria provided. Collection method: curation. Allele origin: de novo. Affected: yes. Observed: 1 variant allele. Not counted in ClinVar's aggregate classification.

Literature cited by the submitters: PubMed 22872100 (cited by Labcorp Genetics (formerly Invitae), Labcorp); PubMed 18790821 (cited by Labcorp Genetics (formerly Invitae), Labcorp and RettBASE).

NM_001323289.2(CDKL5):c.229_232del (p.Glu77fs)

Gene: CDKL5 (cyclin dependent kinase like 5; plus strand). Cytogenetic location: Xp22.13.
Variant type: Microsatellite.
Coding change: c.229_232del on transcript NM_001323289.2 (MANE Select); coding-DNA positions 229 to 232, 4 bases deleted (GAAG; older notation c.229_232delGAAG).
Protein change: p.Glu77fs; shifts the reading frame from glutamic acid 77.
Molecular consequence: frameshift variant.
Genome position (GRCh38, 1-based): chrX:18,575,437-18,575,440, GAAG deleted; deleting any 4 consecutive bases within chrX:18,575,433-18,575,440 gives the same sequence; the c. name uses the placement nearest the transcript's 3' end. VCF-style (leftmost placement, unchanged base first): chrX-18575432-TGAAG-T. GRCh37 (hg19) VCF-style: chrX-18593552-TGAAG-T.
Other names: NM_001323289.2(CDKL5):c.229_232del; p.Glu77fs; c.229_232delGAAG (NM_003159.2); c.229_232del, p.Glu77fs (NM_001037343.2, NM_003159.3); short protein forms E77fs.
Identifiers: ClinVar variation 143799 (VCV000143799.12), dbSNP rs267608441, ClinGen allele CA170473.